The following is an entry in ClinVar:

ClinVar aggregate classification (germline): Conflicting classifications of pathogenicity. Review status: criteria provided, conflicting classifications (1 of 4 stars). 3 submissions from 3 submitters: Uncertain significance (1); Likely benign (2). Last evaluated 2024-09-10.

Conditions:
Cardiovascular phenotype. Identifiers: MedGen CN230736.
Ehlers-Danlos syndrome, classic type, 1 (EDSCL1). Also called: EHLERS-DANLOS SYNDROME, GRAVIS TYPE; EHLERS-DANLOS SYNDROME, SEVERE CLASSIC TYPE; Ehlers-Danlos syndrome, type 1; Ehlers-Danlos Syndrome, Classic Type, COL5A1-Related; EDS I. Identifiers: MedGen C0268335, MONDO:0019567, OMIM 130000.
Osteogenesis imperfecta type I (OI1). Also called: OI, TYPE I; OSTEOGENESIS IMPERFECTA TARDA; OSTEOGENESIS IMPERFECTA WITH BLUE SCLERAE; Osteogenesis imperfecta type 1; Lobstein's Disease; Lobstein disease. Identifiers: Orphanet 216796, Orphanet 666, MedGen C0023931, MONDO:0008146, OMIM 166200. Disease mechanism: loss of function.

Allele frequency attached by ClinVar (database versions not stated): TOPMed 0.00001; ExAC 0.00001; gnomAD 0.00001.
gnomAD v4.1: 10 of 1,613,798 alleles (0.00062%); highest among the groups gnomAD compares: Admixed American, 0.0017%; no homozygotes.

Submissions (3):

GeneDx
Classification: Uncertain significance. Last evaluated: 2024-09-10. Review status: criteria provided, single submitter. Criteria: GeneDx Variant Classification Process June 2021. Collection method: clinical testing. Allele origin: germline. Affected: yes.
Comment: Has not been previously published as pathogenic or benign to our knowledge; Not observed at significant frequency in large population cohorts (gnomAD); In silico analysis indicates that this variant does not alter splicing

Labcorp Genetics (formerly Invitae), Labcorp
Classification: Likely benign for Osteogenesis imperfecta type I; Ehlers-Danlos syndrome, classic type, 1. Last evaluated: 2024-05-23. Review status: criteria provided, single submitter. Criteria: Invitae Variant Classification Sherloc (09022015). Collection method: clinical testing. Allele origin: germline.

Ambry Genetics
Classification: Likely benign for Cardiovascular phenotype. Last evaluated: 2024-02-22. Review status: criteria provided, single submitter. Criteria: Ambry Variant Classification Scheme 2023. Collection method: clinical testing. Allele origin: germline.

NM_000089.4(COL1A2):c.4083C>T (p.Gly1361=)

Gene: COL1A2 (collagen type I alpha 2 chain; plus strand). Cytogenetic location: 7q21.3.
Variant type: single nucleotide variant.
Coding change: c.4083C>T on transcript NM_000089.4 (MANE Select); coding-DNA position 4083, C replaced by T.
Protein change: p.Gly1361=; no amino-acid change (glycine 1361 retained).
Molecular consequence: synonymous variant.
Genome position (GRCh38, 1-based): chr7:94,430,375, C>T. VCF-style: chr7-94430375-C-T. GRCh37 (hg19) VCF-style: chr7-94059687-C-T.
Identifiers: ClinVar variation 3230289 (VCV003230289.4), dbSNP rs751795987, ClinGen allele CA4347918.
Genomic context (GRCh38, chr7:94,430,375, plus strand): 5'-CCTTGATATTGCACCTTTGGACATCGGTGGTGCTGACCAGGAATTCTTTGTGGACATTGG[C>T]CCAGTCTGTTTCAAATAAATGAACTCAATCTAAATTAAAAAAGAAAGAAATTTGAAAAAA-3'
Protein context (NP_000080.2, residues 1351-1366): GADQEFFVDI[Gly1361=]PVCFK